The following is an entry in ClinVar:

ClinVar aggregate classification (germline): Uncertain significance (1 of 4 stars; one submission).

Conditions:
Ritscher-Schinzel syndrome 4. Identifiers: MedGen C5561939, MONDO:0030331, OMIM 619435.

gnomAD v4.1: 5 of 1,614,132 alleles (0.00031%); highest among the groups gnomAD compares: South Asian, 0.0044%; no homozygotes.

Submission:

Neuberg Centre For Genomic Medicine, NCGM
Classification: Uncertain significance for Ritscher-Schinzel syndrome 4. Review status: criteria provided, single submitter. Criteria: ACMG Guidelines, 2015. Collection method: clinical testing. Allele origin: germline. Inheritance: Autosomal dominant inheritance. Affected: yes.
Comment: The observed missense c.332A>C(p.Asp111Ala) variant in DPYSL5 gene has not been reported previously as a pathogenic variant nor as a benign variant, to our knowledge. This variant is present with an allele frequency of 0.002% in gnomAD Exomes database. This variant has not been submitted to the ClinVar database. Computational evidence (Polyphen - Benign, SIFT -Tolerated and MutationTaster -disease causing) predicts conflicting evidence on protein structure and function for this variant. The amino acid change p.Asp111Ala in DPYSL5 is predicted as conserved by GERP++ and PhyloP across 100 vertebrates. The amino acid Asp at position 111 is changed to a Ala changing protein sequence and it might alter its composition and physico-chemical properties. For these reasons, this variant has been classified as Uncertain Significance (VUS).

NM_020134.4(DPYSL5):c.332A>C (p.Asp111Ala)

Gene: DPYSL5 (dihydropyrimidinase like 5; plus strand). Cytogenetic location: 2p23.3.
Variant type: single nucleotide variant.
Coding change: c.332A>C on transcript NM_020134.4 (MANE Select); coding-DNA position 332, A replaced by C.
Protein change: p.Asp111Ala; replaces aspartic acid 111 with alanine.
Molecular consequence: missense variant.
Genome position (GRCh38, 1-based): chr2:26,924,957, A>C. VCF-style: chr2-26924957-A-C. GRCh37 (hg19) VCF-style: chr2-27147825-A-C.
Other names: c.332A>C, p.Asp111Ala (NM_001253723.2, NM_001253724.2); short protein forms D111A.
Identifiers: ClinVar variation 3362820 (VCV003362820.3).
Genomic context (GRCh38, chr2:26,924,957, plus strand): 5'-TCGGAGGCACCACCATGATCATCGGCCACGTCCTGCCCGACAAGGAGACCTCCCTTGTGG[A>C]CGCTTATGAGAAGTGCCGAGGTCTGGCCGACCCCAAGGTCTGCTGTGATTACGCCCTCCA-3'
Protein context (NP_064519.2, residues 101-121): VLPDKETSLV[Asp111Ala]AYEKCRGLAD